The following is an entry in ClinVar:

ClinVar aggregate classification (germline): Uncertain significance (1 of 4 stars; one submission).

Allele frequency attached by ClinVar (database versions not stated): gnomAD exomes below 0.00001; TOPMed below 0.00001; gnomAD 0.00001.
gnomAD v4.1: 4 of 1,209,541 alleles (0.00033%); highest among the groups gnomAD compares: African/African-American, 0.0017%; no homozygotes.

Submission:

GeneDx
Classification: Uncertain significance. Last evaluated: 2020-09-15. Review status: criteria provided, single submitter. Criteria: GeneDx Variant Classification Process June 2021. Collection method: clinical testing. Allele origin: germline. Affected: yes.
Comment: In silico analysis, which includes protein predictors and evolutionary conservation, supports a deleterious effect; Has not been previously published as pathogenic or benign to our knowledge; Not observed in the gnomAD dataset (Lek et al., 2016)

NM_001039591.3(USP9X):c.628C>T (p.Arg210Cys)

Gene: USP9X (ubiquitin specific peptidase 9 X-linked; plus strand). Cytogenetic location: Xp11.4.
Variant type: single nucleotide variant.
Coding change: c.628C>T on transcript NM_001039591.3 (MANE Select); coding-DNA position 628, C replaced by T.
Protein change: p.Arg210Cys; replaces arginine 210 with cysteine.
Molecular consequence: missense variant.
Genome position (GRCh38, 1-based): chrX:41,136,996, C>T. VCF-style: chrX-41136996-C-T. GRCh37 (hg19) VCF-style: chrX-40996249-C-T.
Other names: c.628C>T, p.Arg210Cys (NM_001039590.3); short protein forms R210C.
Identifiers: ClinVar variation 1219208 (VCV001219208.3), dbSNP rs2062379641, ClinGen allele CA412763572.